The following is an entry in ClinVar:

ClinVar aggregate classification (germline): Benign. Review status: criteria provided, multiple submitters, no conflicts (2 of 4 stars). 2 submissions from 2 submitters: Benign (2). Last evaluated 2019-01-09.

Allele frequency attached by ClinVar (database versions not stated): gnomAD exomes 0.19991 and 0.20279; ExAC 0.21166; gnomAD 0.25133 and 0.25483; TOPMed 0.25709; 1000 Genomes Project 0.25719; 1000 Genomes Project 30x 0.25828; ESP Exome Variant Server 0.26211.
gnomAD v4.1: 330,831 of 1,613,854 alleles (20%); highest among the groups gnomAD compares: African/African-American, 41%; 36,008 homozygotes.

Submissions (2):

GeneDx
Classification: Benign. Last evaluated: 2019-01-09. Review status: criteria provided, single submitter. Criteria: GeneDx Variant Classification Process June 2021. Collection method: clinical testing. Allele origin: germline. Affected: yes.
Comment: This variant is associated with the following publications: (PMID: 28339009)

Breakthrough Genomics
Classification: Benign. Review status: criteria provided, single submitter. Criteria: ACMG Guidelines, 2015. Collection method: not provided. Allele origin: germline. Inheritance: Unknown mechanism. Affected: yes.

NM_152403.4(EGFLAM):c.685T>C (p.Trp229Arg)

Gene: EGFLAM (EGF like, fibronectin type III and laminin G domains; plus strand). Cytogenetic location: 5p13.2.
Variant type: single nucleotide variant.
Coding change: c.685T>C on transcript NM_152403.4 (MANE Select); coding-DNA position 685, T replaced by C.
Protein change: p.Trp229Arg; replaces tryptophan 229 with arginine.
Molecular consequence: missense variant.
Genome position (GRCh38, 1-based): chr5:38,370,435, T>C. VCF-style: chr5-38370435-T-C. GRCh37 (hg19) VCF-style: chr5-38370537-T-C.
Other names: c.685T>C, p.Trp229Arg (NM_001205301.2); short protein forms W229R.
Identifiers: ClinVar variation 1235521 (VCV001235521.4), dbSNP rs1465567, ClinGen allele CA3241601.
Genomic context (GRCh38, chr5:38,370,435, plus strand): 5'-GATACCAACTACCAGTTTGCCGTGAGGGCAATGAATTCCCATGGCCCCAGCCCCCGCAGC[T>C]GGCCCAGTGACATCATCCGGACCCTCTGTGAGTACCAGGGTCCTTCTGAGGGACCAAGGG-3'
Protein context (NP_689616.2, residues 219-239): MNSHGPSPRS[Trp229Arg]PSDIIRTLCP